The following is an entry in ClinVar:

NM_021930.6(RINT1):c.2216T>G (p.Leu739Trp)

Genes: EFCAB10 (EF-hand calcium binding domain 10; minus strand), RINT1 (RAD50 interactor 1; plus strand). Cytogenetic location: 7q22.3.
Variant type: single nucleotide variant.
Coding change: c.2216T>G on transcript NM_021930.6 (MANE Select); coding-DNA position 2216, T replaced by G.
Protein change: p.Leu739Trp; replaces leucine 739 with tryptophan.
Molecular consequence: missense variant. On other transcripts: 3 prime UTR variant (2), non-coding transcript variant (1), intron variant (3).
Genome position (GRCh38, 1-based): chr7:105,567,148, T>G. VCF-style: chr7-105567148-T-G. GRCh37 (hg19) VCF-style: chr7-105207595-T-G.
Other names: c.*306A>C (NM_001355527.2, NM_001355529.2); c.1982T>G, p.Leu661Trp (NM_001346599.2); c.1193T>G, p.Leu398Trp (NM_001346600.2, NM_001346603.2); c.1292T>G, p.Leu431Trp (NM_001346601.2); c.360-1701A>C (NM_001355531.2); c.383+319A>C (NM_001355526.2, NM_001355530.2); short protein forms L398W, L431W, L661W, L739W.
Identifiers: ClinVar variation 3227639 (VCV003227639.1), dbSNP rs2485201551, ClinGen allele CA368815417.
Genomic context (GRCh38, chr7:105,567,148, plus strand): 5'-CTCATTTCCCTCCTTTGTTTTCCCTAAACAGTATAAAAGAAGCCTGTATTGTTTTGAATT[T>G]GAACGTCGGTTCTGCACTACTGCTGAAAGATGTACTGCAGTCAGCTTCAGGGCAGCTTCC-3'
Protein context (NP_068749.3, residues 729-749): HIKEACIVLN[Leu739Trp]NVGSALLLKD

ClinVar aggregate classification (germline): Uncertain significance (1 of 4 stars; one submission).

Submission:

Ambry Genetics
Classification: Uncertain significance. Last evaluated: 2024-01-20. Review status: criteria provided, single submitter. Criteria: Ambry Variant Classification Scheme 2023. Collection method: clinical testing. Allele origin: germline.
Comment: The p.L739W variant (also known as c.2216T>G), located in coding exon 15 of the RINT1 gene, results from a T to G substitution at nucleotide position 2216. The leucine at codon 739 is replaced by tryptophan, an amino acid with similar properties. This amino acid position is conserved. In addition, the in silico prediction for this alteration is inconclusive. Based on the available evidence, the clinical significance of this alteration remains unclear.